The following is an entry in ClinVar:

ClinVar aggregate classification (germline): Uncertain significance. Review status: criteria provided, multiple submitters, no conflicts (2 of 4 stars). 2 submissions from 2 submitters: Uncertain significance (2). Last evaluated 2025-06-10.

Conditions:
Primary dilated cardiomyopathy (DCM). Also called: Dilated Cardiomyopathy. Identifiers: Orphanet 217604, MedGen C0007193, MeSH D002311, MONDO:0005021, HP:0001644. Inheritance: Various modes of inheritance.
Hypertrophic cardiomyopathy. Also called: HYPERTROPHIC MYOCARDIOPATHY. Identifiers: Orphanet 217569, MedGen C0007194, MeSH D002312, MONDO:0005045, HP:0001639.

Allele frequency attached by ClinVar (database versions not stated): gnomAD exomes below 0.00001; ExAC 0.00001.
gnomAD v4.1: 1 of 1,613,224 alleles (0.000062%); highest among the groups gnomAD compares: Non-Finnish European, 0.000085%; no homozygotes.

Submissions (2):

Ambry Genetics
Classification: Uncertain significance. Last evaluated: 2025-06-10. Review status: criteria provided, single submitter. Criteria: Ambry Variant Classification Scheme 2023. Collection method: clinical testing. Allele origin: germline.
Comment: The p.D265G variant (also known as c.794A>G) is located in coding exon 7 of the PDLIM3 gene. The aspartic acid at codon 265 is replaced by glycine, an amino acid with similar properties. This change occurs in the first base pair of coding exon 7. This amino acid position is conserved. In addition, this alteration is predicted to be tolerated by in silico analysis. Based on the available evidence, the clinical significance of this variant remains unclear.

Labcorp Genetics (formerly Invitae), Labcorp
Classification: Uncertain significance for Hypertrophic cardiomyopathy; Primary dilated cardiomyopathy. Last evaluated: 2022-03-23. Review status: criteria provided, single submitter. Criteria: Invitae Variant Classification Sherloc (09022015). Collection method: clinical testing. Allele origin: germline.
Comment: This sequence change replaces aspartic acid, which is acidic and polar, with glycine, which is neutral and non-polar, at codon 265 of the PDLIM3 protein (p.Asp265Gly). This variant is present in population databases (rs750061720, gnomAD 0.0009%). In summary, the available evidence is currently insufficient to determine the role of this variant in disease. Therefore, it has been classified as a Variant of Uncertain Significance. Algorithms developed to predict the effect of sequence changes on RNA splicing suggest that this variant may create or strengthen a splice site. Algorithms developed to predict the effect of missense changes on protein structure and function are either unavailable or do not agree on the potential impact of this missense change (SIFT: "Deleterious"; PolyPhen-2: "Benign"; Align-GVGD: "Class C65"). ClinVar contains an entry for this variant (Variation ID: 573734). This variant has not been reported in the literature in individuals affected with PDLIM3-related conditions.

NM_014476.6(PDLIM3):c.794A>G (p.Asp265Gly)

Gene: PDLIM3 (PDZ and LIM domain 3; minus strand). Cytogenetic location: 4q35.1.
Variant type: single nucleotide variant.
Coding change: c.794A>G on transcript NM_014476.6 (MANE Select); coding-DNA position 794, A replaced by G.
Protein change: p.Asp265Gly; replaces aspartic acid 265 with glycine.
Molecular consequence: missense variant. On other transcripts: non-coding transcript variant (1).
Genome position (GRCh38, 1-based): chr4:185,504,586, T>C on the plus strand (A>G on the coding strand, the complement: PDLIM3 is on the minus strand). VCF-style: chr4-185504586-T-C. GRCh37 (hg19) VCF-style: chr4-186425740-T-C.
Other names: c.794A>G (NM_014476.4); c.650A>G, p.Asp217Gly (NM_001114107.5); c.530A>G, p.Asp177Gly (NM_001257962.2); c.293A>G, p.Asp98Gly (NM_001257963.2); short protein forms D265G, D177G, D217G, D98G.
Identifiers: ClinVar variation 573734 (VCV000573734.12), dbSNP rs750061720, ClinGen allele CA3159685.
Genomic context (GRCh38, chr4:185,504,586, plus strand): 5'-GAACCGCCATGGACTTTCGTCACCGGAGCTCTCACACTCCGCGTTCCAGCCGGACGGTCA[T>C]CTGAAAAACAAAGCGTTTCCATTTATGGCTAGGGAACAGCTGGCCGCAGCCTGTGCTTGG-3'
Protein context (NP_055291.2, residues 255-275): VLQGMVDDGS[Asp265Gly]DRPAGTRSVR